The following is an entry in ClinVar:

ClinVar aggregate classification (germline): Benign (1 of 4 stars; one submission).

Allele frequency attached by ClinVar (database versions not stated): 1000 Genomes Project 30x 0.02967; 1000 Genomes Project 0.02995; TOPMed 0.06202; gnomAD 0.06418 and 0.06584.
gnomAD v4.1: 9,742 of 152,224 alleles (6.4%); highest among the groups gnomAD compares: Non-Finnish European, 9.6%; 452 homozygotes.

Submission:

GeneDx
Classification: Benign. Last evaluated: 2018-06-14. Review status: criteria provided, single submitter. Criteria: GeneDx Variant Classification (06012015). Collection method: clinical testing. Allele origin: germline. Affected: yes.
Comment: This variant is considered likely benign or benign based on one or more of the following criteria: it is a conservative change, it occurs at a poorly conserved position in the protein, it is predicted to be benign by multiple in silico algorithms, and/or has population frequency not consistent with disease.

NM_001458.5(FLNC):c.4581-224C>A

Gene: FLNC (filamin C; plus strand). Cytogenetic location: 7q32.1.
Variant type: single nucleotide variant.
Coding change: c.4581-224C>A on transcript NM_001458.5 (MANE Select); 224 bases into the intron before coding-DNA position 4581, C replaced by A.
Molecular consequence: intron variant.
Genome position (GRCh38, 1-based): chr7:128,848,337, C>A. VCF-style: chr7-128848337-C-A. GRCh37 (hg19) VCF-style: chr7-128488391-C-A.
Other names: c.4581-224C>A (NM_001127487.2).
Identifiers: ClinVar variation 680203 (VCV000680203.1), dbSNP rs111993847, ClinGen allele CA12654685.